The following is an entry in ClinVar:

NM_021250.4(LILRA5):c.672A>G (p.Val224=)

Gene: LILRA5 (leukocyte immunoglobulin like receptor A5; minus strand). Cytogenetic location: 19q13.42.
Variant type: single nucleotide variant.
Coding change: c.672A>G on transcript NM_021250.4 (MANE Select); coding-DNA position 672, A replaced by G.
Protein change: p.Val224=; no amino-acid change (valine 224 retained).
Molecular consequence: synonymous variant.
Genome position (GRCh38, 1-based): chr19:54,311,454, T>C on the plus strand (A>G on the coding strand, the complement: LILRA5 is on the minus strand). VCF-style: chr19-54311454-T-C. GRCh37 (hg19) VCF-style: chr19-54822724-T-C.
Other names: c.672A>G, p.Val224= (NM_181879.3); c.636A>G, p.Val212= (NM_181985.4, NM_181986.3).
Identifiers: ClinVar variation 2650448 (VCV002650448.24), dbSNP rs781073941, ClinGen allele CA309475047.
Genomic context (GRCh38, chr19:54,311,454, plus strand): 5'-GAAGACTGTGGCTTCCTCACCTGAGACCGGAATCTCCAGGAGGTCACTGGGTTCTGACCA[T>C]ACCTGCAGGATATGCCTGCGAGAGCCATAGCATCTGAGCATCCACCTGTGGCTGGGGGTC-3'
Protein context (NP_067073.1, residues 214-234): CYGSRRHILQ[Val224=]WSEPSDLLEI

ClinVar aggregate classification (germline): Likely benign (1 of 4 stars; one submission).

Allele frequency attached by ClinVar (database versions not stated): gnomAD exomes below 0.00001; ExAC 0.00001.

Submission:

CeGaT Center for Human Genetics Tuebingen
Classification: Likely benign. Last evaluated: 2022-08-01. Review status: criteria provided, single submitter. Criteria: CeGaT Center For Human Genetics Tuebingen Variant Classification Criteria Version 2. Collection method: clinical testing. Allele origin: germline. Affected: yes. Observed: 1 variant allele.
Comment: LILRA5: BP4, BP7